The following is an entry in ClinVar:

ClinVar aggregate classification (germline): Benign (1 of 4 stars; one submission).

Conditions:
Charcot-Marie-Tooth disease dominant intermediate C (CMTDIC). Also called: CHARCOT-MARIE-TOOTH NEUROPATHY, DOMINANT INTERMEDIATE C. Identifiers: Orphanet 100045, MedGen C1842237, MONDO:0012012, OMIM 608323.

Allele frequency attached by ClinVar (database versions not stated): 1000 Genomes Project 0.00060; 1000 Genomes Project 30x 0.00062; TOPMed 0.00065; gnomAD 0.00066; ExAC 0.00067; ESP Exome Variant Server 0.00069.
gnomAD v4.1: 1,381 of 1,587,236 alleles (0.087%); highest among the groups gnomAD compares: Non-Finnish European, 0.1%; 2 homozygotes.

Submission:

Illumina Laboratory Services, Illumina
Classification: Benign for Charcot-Marie-Tooth disease dominant intermediate C. Last evaluated: 2018-01-12. Review status: criteria provided, single submitter. Criteria: ICSL Variant Classification Criteria 13 December 2019. Collection method: clinical testing. Allele origin: germline.
Comment: This variant was observed in the ICSL laboratory as part of a predisposition screen in an ostensibly healthy population. It had not been previously curated by ICSL or reported in the Human Gene Mutation Database (HGMD: prior to June 1st, 2018), and was therefore a candidate for classification through an automated scoring system. Utilizing variant allele frequency, disease prevalence and penetrance estimates, and inheritance mode, an automated score was calculated to assess if this variant is too frequent to cause the disease. Based on the score and internal cut-off values, a variant classified as benign is not then subjected to further curation. The score for this variant resulted in a classification of benign for this disease.

NM_003680.4(YARS1):c.*21C>A

Gene: YARS1 (tyrosyl-tRNA synthetase 1; minus strand). Cytogenetic location: 1p35.1.
Variant type: single nucleotide variant.
Coding change: c.*21C>A on transcript NM_003680.4 (MANE Select); 21 bases downstream of the stop codon, C replaced by A.
Molecular consequence: 3 prime UTR variant.
Genome position (GRCh38, 1-based): chr1:32,775,960, G>T on the plus strand (C>A on the coding strand, the complement: YARS1 is on the minus strand). VCF-style: chr1-32775960-G-T. GRCh37 (hg19) VCF-style: chr1-33241561-G-T.
Identifiers: ClinVar variation 297147 (VCV000297147.5), dbSNP rs149812692, ClinGen allele CA744845.